The following is an entry in ClinVar:

ClinVar aggregate classification (germline): Uncertain significance (1 of 4 stars; one submission).

Allele frequency attached by ClinVar (database versions not stated): gnomAD exomes below 0.00001 and 0.00001; TOPMed below 0.00001.
gnomAD v4.1: 7 of 1,583,978 alleles (0.00044%); highest among the groups gnomAD compares: Admixed American, 0.011%; no homozygotes.

Submission:

Labcorp Genetics (formerly Invitae), Labcorp
Classification: Uncertain significance. Last evaluated: 2024-03-14. Review status: criteria provided, single submitter. Criteria: Invitae Variant Classification Sherloc (09022015). Collection method: clinical testing. Allele origin: germline.
Comment: This sequence change replaces valine, which is neutral and non-polar, with methionine, which is neutral and non-polar, at codon 1815 of the MYO7A protein (p.Val1815Met). The frequency data for this variant in the population databases is considered unreliable, as metrics indicate poor data quality at this position in the gnomAD database. This variant has not been reported in the literature in individuals affected with MYO7A-related conditions. ClinVar contains an entry for this variant (Variation ID: 1402734). Advanced modeling of protein sequence and biophysical properties (such as structural, functional, and spatial information, amino acid conservation, physicochemical variation, residue mobility, and thermodynamic stability) has been performed at Invitae for this missense variant, however the output from this modeling did not meet the statistical confidence thresholds required to predict the impact of this variant on MYO7A protein function. In summary, the available evidence is currently insufficient to determine the role of this variant in disease. Therefore, it has been classified as a Variant of Uncertain Significance.

NM_000260.4(MYO7A):c.5443G>A (p.Val1815Met)

Gene: MYO7A (myosin VIIA; plus strand). Cytogenetic location: 11q13.5.
Variant type: single nucleotide variant.
Coding change: c.5443G>A on transcript NM_000260.4 (MANE Select); coding-DNA position 5443, G replaced by A.
Protein change: p.Val1815Met; replaces valine 1815 with methionine.
Molecular consequence: missense variant.
Genome position (GRCh38, 1-based): chr11:77,204,192, G>A. VCF-style: chr11-77204192-G-A. GRCh37 (hg19) VCF-style: chr11-76915237-G-A.
Other names: c.5329G>A, p.Val1777Met (NM_001127180.2); c.5296G>A, p.Val1766Met (NM_001369365.1); short protein forms V1777M, V1766M, V1815M.
Identifiers: ClinVar variation 1402734 (VCV001402734.7), dbSNP rs1452827318, ClinGen allele CA381952736.